The following is an entry in ClinVar:

ClinVar aggregate classification (germline): Uncertain significance (1 of 4 stars; one submission).

Conditions:
Neuroblastoma, susceptibility to, 3. Also called: ALK-Related Neuroblastic Tumor Susceptibility. Identifiers: Orphanet 635, MedGen C2751681, MONDO:0013083, OMIM 613014.

Submission:

Labcorp Genetics (formerly Invitae), Labcorp
Classification: Uncertain significance for Neuroblastoma, susceptibility to, 3. Last evaluated: 2022-02-04. Review status: criteria provided, single submitter. Criteria: Invitae Variant Classification Sherloc (09022015). Collection method: clinical testing. Allele origin: germline.
Comment: In summary, the available evidence is currently insufficient to determine the role of this variant in disease. Therefore, it has been classified as a Variant of Uncertain Significance. Algorithms developed to predict the effect of sequence changes on RNA splicing suggest that this variant may disrupt the consensus splice site. This variant has not been reported in the literature in individuals affected with ALK-related conditions. This variant is not present in population databases (gnomAD no frequency). This sequence change affects an acceptor splice site in intron 2 of the ALK gene. It is expected to disrupt RNA splicing. Variants that disrupt the donor or acceptor splice site typically lead to a loss of protein function (PMID: 16199547), however the current clinical and genetic evidence is not sufficient to establish whether loss-of-function variants in ALK cause disease.

Literature cited by the submitters: PubMed 16199547.

NM_004304.5(ALK):c.788-1G>A

Gene: ALK (ALK receptor tyrosine kinase; minus strand). Cytogenetic location: 2p23.2.
Variant type: single nucleotide variant.
Coding change: c.788-1G>A on transcript NM_004304.5 (MANE Select); the canonical splice acceptor site of the intron before coding-DNA position 788, G replaced by A.
Molecular consequence: splice acceptor variant.
Genome position (GRCh38, 1-based): chr2:29,695,015, C>T on the plus strand (G>A on the coding strand, the complement: ALK is on the minus strand). VCF-style: chr2-29695015-C-T. GRCh37 (hg19) VCF-style: chr2-29917881-C-T.
Identifiers: ClinVar variation 2092658 (VCV002092658.4), dbSNP rs374016589, ClinGen allele CA346587150.